The following is an entry in ClinVar:

NM_173354.5(SIK1):c.1304C>G (p.Ser435Cys)

Gene: SIK1 (salt inducible kinase 1; minus strand). Cytogenetic location: 21q22.3.
Variant type: single nucleotide variant.
Coding change: c.1304C>G on transcript NM_173354.5 (MANE Select); coding-DNA position 1304, C replaced by G.
Protein change: p.Ser435Cys; replaces serine 435 with cysteine.
Molecular consequence: missense variant.
Genome position (GRCh38, 1-based): chr21:43,419,179, G>C on the plus strand (C>G on the coding strand, the complement: SIK1 is on the minus strand). VCF-style: chr21-43419179-G-C. GRCh37 (hg19) VCF-style: chr21-44839059-G-C.
Other names: short protein forms S435C.
Identifiers: ClinVar variation 1497194 (VCV001497194.8), dbSNP rs1485607281, ClinGen allele CA410608291.

ClinVar aggregate classification (germline): Uncertain significance (1 of 4 stars; one submission).

Conditions:
Developmental and epileptic encephalopathy, 30 (DEE30). Also called: Epileptic encephalopathy, early infantile, 30. Identifiers: MedGen C4225360, MONDO:0014595, OMIM 616341.

Allele frequency attached by ClinVar (database versions not stated): gnomAD exomes below 0.00001.

Submission:

Labcorp Genetics (formerly Invitae), Labcorp
Classification: Uncertain significance for Developmental and epileptic encephalopathy, 30. Last evaluated: 2022-06-20. Review status: criteria provided, single submitter. Criteria: Invitae Variant Classification Sherloc (09022015). Collection method: clinical testing. Allele origin: germline.
Comment: This variant has not been reported in the literature in individuals affected with SIK1-related conditions. The frequency data for this variant in the population databases is considered unreliable, as metrics indicate poor data quality at this position in the gnomAD database. This sequence change replaces serine, which is neutral and polar, with cysteine, which is neutral and slightly polar, at codon 435 of the SIK1 protein (p.Ser435Cys). Algorithms developed to predict the effect of missense changes on protein structure and function (SIFT, PolyPhen-2, Align-GVGD) all suggest that this variant is likely to be disruptive. In summary, the available evidence is currently insufficient to determine the role of this variant in disease. Therefore, it has been classified as a Variant of Uncertain Significance.